The following is an entry in ClinVar:

NM_001277115.2(DNAH11):c.9563T>A (p.Val3188Glu)

Gene: DNAH11 (dynein axonemal heavy chain 11; plus strand). Cytogenetic location: 7p15.3.
Variant type: single nucleotide variant.
Coding change: c.9563T>A on transcript NM_001277115.2 (MANE Select); coding-DNA position 9563, T replaced by A.
Protein change: p.Val3188Glu; replaces valine 3188 with glutamic acid.
Molecular consequence: missense variant.
Genome position (GRCh38, 1-based): chr7:21,784,506, T>A. VCF-style: chr7-21784506-T-A. GRCh37 (hg19) VCF-style: chr7-21824124-T-A.
Other names: short protein forms V3188E.
Identifiers: ClinVar variation 1037812 (VCV001037812.17), dbSNP rs761194521, ClinGen allele CA366939343.

ClinVar aggregate classification (germline): Uncertain significance (1 of 4 stars; one submission).

Conditions:
Primary ciliary dyskinesia. Also called: Ciliary dyskinesia. Identifiers: Orphanet 244, MedGen C0008780, MONDO:0016575, HP:0012265.

Submission:

Labcorp Genetics (formerly Invitae), Labcorp
Classification: Uncertain significance for Primary ciliary dyskinesia. Last evaluated: 2020-01-29. Review status: criteria provided, single submitter. Criteria: Invitae Variant Classification Sherloc (09022015). Collection method: clinical testing. Allele origin: germline.
Comment: This variant has not been reported in the literature in individuals with DNAH11-related conditions. In summary, the available evidence is currently insufficient to determine the role of this variant in disease. Therefore, it has been classified as a Variant of Uncertain Significance. Algorithms developed to predict the effect of missense changes on protein structure and function are either unavailable or do not agree on the potential impact of this missense change (SIFT: "Deleterious"; PolyPhen-2: "Benign"; Align-GVGD: "Class C35"). This variant is not present in population databases (ExAC no frequency). This sequence change replaces valine with glutamic acid at codon 3188 of the DNAH11 protein (p.Val3188Glu). The valine residue is moderately conserved and there is a moderate physicochemical difference between valine and glutamic acid.